The following is an entry in ClinVar:

ClinVar aggregate classification (germline): Likely benign. Review status: criteria provided, multiple submitters, no conflicts (2 of 4 stars). 3 submissions from 3 submitters: Likely benign (2). 1 of the submissions does not count toward it. Last evaluated 2026-01-22.

Conditions:
Vici syndrome (VICIS). Identifiers: Orphanet 1493, MedGen C1855772, MONDO:0009452, OMIM 242840.
EPG5-related disorder. Also called: EPG5-related condition. Identifiers: MedGen CN381528.

Allele frequency attached by ClinVar (database versions not stated): gnomAD exomes 0.00002 and 0.00011; gnomAD 0.00005; TOPMed 0.00009; ExAC 0.00010.
gnomAD v4.1: 32 of 1,593,804 alleles (0.002%); highest among the groups gnomAD compares: East Asian, 0.065%; no homozygotes.

Submissions (3):

Labcorp Genetics (formerly Invitae), Labcorp
Classification: Likely benign for Vici syndrome. Last evaluated: 2026-01-22. Review status: criteria provided, single submitter. Criteria: Invitae Variant Classification Sherloc (09022015). Collection method: clinical testing. Allele origin: germline.

Blueprint Genetics
Classification: Likely benign. Last evaluated: 2023-02-27. Review status: criteria provided, single submitter. Criteria: ACMG Guidelines, 2015. Collection method: clinical testing. Allele origin: germline.

PreventionGenetics, part of Exact Sciences
Classification: Likely benign for EPG5-related condition. Last evaluated: 2019-04-12. Review status: no assertion criteria provided. Collection method: clinical testing. Allele origin: germline. Not counted in ClinVar's aggregate classification.
Comment: This variant is classified as likely benign based on ACMG/AMP sequence variant interpretation guidelines (Richards et al. 2015 PMID: 25741868, with internal and published modifications).

NM_020964.3(EPG5):c.4989T>G (p.Pro1663=)

Gene: EPG5 (ectopic P-granules 5 autophagy tethering factor; minus strand). Cytogenetic location: 18q12.3.
Variant type: single nucleotide variant.
Coding change: c.4989T>G on transcript NM_020964.3 (MANE Select); coding-DNA position 4989, T replaced by G.
Protein change: p.Pro1663=; no amino-acid change (proline 1663 retained).
Molecular consequence: synonymous variant.
Genome position (GRCh38, 1-based): chr18:45,887,871, A>C on the plus strand (T>G on the coding strand, the complement: EPG5 is on the minus strand). VCF-style: chr18-45887871-A-C. GRCh37 (hg19) VCF-style: chr18-43467836-A-C.
Other names: c.4989T>G (NM_020964.2).
Identifiers: ClinVar variation 1652553 (VCV001652553.12), dbSNP rs759914920, ClinGen allele CA8948699.